The following is an entry in ClinVar:

ClinVar aggregate classification (germline): Likely benign. Review status: criteria provided, single submitter (1 of 4 stars). 2 submissions from 2 submitters: Likely benign (1). 1 of the submissions does not count toward it. Last evaluated 2023-09-21.

Conditions:
LRP2-related disorder. Also called: LRP2-related condition.

Allele frequency attached by ClinVar (database versions not stated): gnomAD exomes below 0.00001 and 0.00001.
gnomAD v4.1: 11 of 1,614,174 alleles (0.00068%); highest among the groups gnomAD compares: Non-Finnish European, 0.00093%; no homozygotes.

Submissions (2):

Labcorp Genetics (formerly Invitae), Labcorp
Classification: Likely benign. Last evaluated: 2023-09-21. Review status: criteria provided, single submitter. Criteria: Invitae Variant Classification Sherloc (09022015). Collection method: clinical testing. Allele origin: germline.

PreventionGenetics, part of Exact Sciences
Classification: Likely benign for LRP2-related condition. Last evaluated: 2019-03-16. Review status: no assertion criteria provided. Collection method: clinical testing. Allele origin: germline. Not counted in ClinVar's aggregate classification.
Comment: This variant is classified as likely benign based on ACMG/AMP sequence variant interpretation guidelines (Richards et al. 2015 PMID: 25741868, with internal and published modifications).

NM_004525.3(LRP2):c.12954T>G (p.Val4318=)

Gene: LRP2 (LDL receptor related protein 2; minus strand). Cytogenetic location: 2q31.1.
Variant type: single nucleotide variant.
Coding change: c.12954T>G on transcript NM_004525.3 (MANE Select); coding-DNA position 12954, T replaced by G.
Protein change: p.Val4318=; no amino-acid change (valine 4318 retained).
Molecular consequence: synonymous variant.
Genome position (GRCh38, 1-based): chr2:169,145,781, A>C on the plus strand (T>G on the coding strand, the complement: LRP2 is on the minus strand). VCF-style: chr2-169145781-A-C. GRCh37 (hg19) VCF-style: chr2-170002291-A-C.
Other names: c.12954T>G (NM_004525.2).
Identifiers: ClinVar variation 1574197 (VCV001574197.10), dbSNP rs1478283354, ClinGen allele CA429920410.